The following is an entry in ClinVar:

ClinVar aggregate classification (germline): Uncertain significance. Review status: criteria provided, multiple submitters, no conflicts (2 of 4 stars). 3 submissions from 3 submitters: Uncertain significance (3). Last evaluated 2024-12-04.

Conditions:
RYR1-related disorder. Also called: RYR1-related condition; RYR1-related disorders. Identifiers: MedGen CN239331.
Malignant hyperthermia, susceptibility to, 1 (MHS1). Also called: Malignant hyperthermia suceptibility 1; RYR1-Related Malignant Hyperthermia Susceptibility; Anesthesia related hyperthermia; Malignant hyperpyrexia; Fulminating hyperpyrexia; Pharmacogenic myopathy. Identifiers: Orphanet 423, MedGen C2930980, MONDO:0007783, OMIM 145600.

Allele frequency attached by ClinVar (database versions not stated): gnomAD exomes 0.00001; ExAC 0.00002; ESP Exome Variant Server 0.00008.
gnomAD v4.1: 13 of 1,612,030 alleles (0.00081%); highest among the groups gnomAD compares: Non-Finnish European, 0.00093%; no homozygotes.

Submissions (3):

GeneDx
Classification: Uncertain significance. Last evaluated: 2024-12-04. Review status: criteria provided, single submitter. Criteria: GeneDx Variant Classification Process June 2021. Collection method: clinical testing. Allele origin: germline. Affected: yes.
Comment: Not observed at significant frequency in large population cohorts (gnomAD); In silico analysis supports that this missense variant has a deleterious effect on protein structure/function; Has not been previously published as pathogenic or benign to our knowledge

Labcorp Genetics (formerly Invitae), Labcorp
Classification: Uncertain significance for RYR1-related disorder. Last evaluated: 2024-10-28. Review status: criteria provided, single submitter. Criteria: Invitae Variant Classification Sherloc (09022015). Collection method: clinical testing. Allele origin: germline.
Comment: This sequence change replaces leucine, which is neutral and non-polar, with glutamine, which is neutral and polar, at codon 2559 of the RYR1 protein (p.Leu2559Gln). This variant is present in population databases (rs139564550, gnomAD 0.002%). This missense change has been observed in individual(s) with clinical features of RYR1-related conditions (internal data). ClinVar contains an entry for this variant (Variation ID: 665828). Invitae Evidence Modeling of protein sequence and biophysical properties (such as structural, functional, and spatial information, amino acid conservation, physicochemical variation, residue mobility, and thermodynamic stability) has been performed for this missense variant. However, the output from this modeling did not meet the statistical confidence thresholds required to predict the impact of this variant on RYR1 protein function. In summary, the available evidence is currently insufficient to determine the role of this variant in disease. Therefore, it has been classified as a Variant of Uncertain Significance.

All of Us Research Program, National Institutes of Health
Classification: Uncertain significance for Malignant hyperthermia, susceptibility to, 1. Last evaluated: 2024-09-23. Review status: criteria provided, single submitter. Criteria: ACMG Guidelines, 2015. Collection method: clinical testing. Allele origin: germline. Inheritance: Autosomal dominant inheritance. Observed: 5 variant alleles, 5 heterozygotes.
Comment: This missense variant replaces leucine with glutamine at codon 2559 of the RYR1 protein. Computational prediction suggests that this variant may have deleterious impact on protein structure and function (internally defined REVEL score threshold >= 0.7, PMID: 27666373). To our knowledge, functional studies have not been reported for this variant. This variant has not been reported in individuals affected with RYR1-related disorders in the literature. This variant has been identified in 2/249848 chromosomes in the general population by the Genome Aggregation Database (gnomAD). The available evidence is insufficient to determine the role of this variant in disease conclusively. Therefore, this variant is classified as a Variant of Uncertain Significance.

This study involves interpretation of variants in research participants for the purpose of population health screening. Participant phenotype was not available at the time of variant classification. Additional details can be found in publication PMID: 35346344, PMCID: PMC8962531

NM_000540.3(RYR1):c.7676T>A (p.Leu2559Gln)

Gene: RYR1 (ryanodine receptor 1; plus strand). Cytogenetic location: 19q13.2.
Variant type: single nucleotide variant.
Coding change: c.7676T>A on transcript NM_000540.3 (MANE Select); coding-DNA position 7676, T replaced by A.
Protein change: p.Leu2559Gln; replaces leucine 2559 with glutamine.
Molecular consequence: missense variant.
Genome position (GRCh38, 1-based): chr19:38,502,568, T>A. VCF-style: chr19-38502568-T-A. GRCh37 (hg19) VCF-style: chr19-38993208-T-A.
Other names: c.7676T>A, p.Leu2559Gln (NM_001042723.2); short protein forms L2559Q.
Identifiers: ClinVar variation 665828 (VCV000665828.10), dbSNP rs139564550, ClinGen allele CA069960.
Genomic context (GRCh38, chr19:38,502,568, plus strand): 5'-CCACTTTCAGCACCACCGAGATGGCGCTGGCGCTGAACCGCTACCTGTGCCTGGCCGTGC[T>A]GCCGCTCATCACCAAGTGTGCGCCGCTCTTTGCGGGCACAGAACACCGCGCCATCATGGT-3'
Protein context (NP_000531.2, residues 2549-2569): ALNRYLCLAV[Leu2559Gln]PLITKCAPLF